The following is an entry in ClinVar:

ClinVar aggregate classification (germline): Uncertain significance (1 of 4 stars; one submission).

gnomAD v4.1: 1 of 1,613,626 alleles (0.000062%); highest among the groups gnomAD compares: Non-Finnish European, 0.000085%; no homozygotes.

Submission:

GeneDx
Classification: Uncertain significance. Last evaluated: 2026-04-08. Review status: criteria provided, single submitter. Criteria: GeneDx Variant Classification Process June 2021. Collection method: clinical testing. Allele origin: germline.
Comment: Not observed at significant frequency in large population cohorts (gnomAD); Nonsense variant predicted to result in protein truncation or nonsense mediated decay in a gene or region of a gene for which loss of function is not a well-established mechanism of disease; Has not been previously published as pathogenic or benign to our knowledge

NM_003458.4(BSN):c.6028C>T (p.Arg2010Ter)

Gene: BSN (bassoon presynaptic cytomatrix protein; plus strand). Cytogenetic location: 3p21.31.
Variant type: single nucleotide variant.
Coding change: c.6028C>T on transcript NM_003458.4 (MANE Select); coding-DNA position 6028, C replaced by T.
Protein change: p.Arg2010Ter; replaces arginine 2010 with a stop codon.
Molecular consequence: nonsense.
Genome position (GRCh38, 1-based): chr3:49,655,584, C>T. VCF-style: chr3-49655584-C-T. GRCh37 (hg19) VCF-style: chr3-49693017-C-T.
Other names: short protein forms R2010*.
Identifiers: ClinVar variation 5018355 (VCV005018355.1).